The following is an entry in ClinVar:

NM_004260.4(RECQL4):c.1518C>T (p.Ala506=)

Gene: RECQL4 (RecQ like helicase 4; minus strand). Cytogenetic location: 8q24.3.
Variant type: single nucleotide variant.
Coding change: c.1518C>T on transcript NM_004260.4 (MANE Select); coding-DNA position 1518, C replaced by T.
Protein change: p.Ala506=; no amino-acid change (alanine 506 retained).
Molecular consequence: synonymous variant.
Genome position (GRCh38, 1-based): chr8:144,515,038, G>A on the plus strand (C>T on the coding strand, the complement: RECQL4 is on the minus strand). VCF-style: chr8-144515038-G-A. GRCh37 (hg19) VCF-style: chr8-145740422-G-A.
Identifiers: ClinVar variation 697413 (VCV000697413.12), dbSNP rs757280460, ClinGen allele CA4948819.

ClinVar aggregate classification (germline): Likely benign. Review status: criteria provided, multiple submitters, no conflicts (2 of 4 stars). 3 submissions from 3 submitters: Likely benign (2). 1 of the submissions does not count toward it. Last evaluated 2025-07-03.

Conditions:
Baller-Gerold syndrome (BGS). Also called: CRANIOSYNOSTOSIS WITH RADIAL DEFECTS. Identifiers: Orphanet 1225, MedGen C0265308, MONDO:0009039, OMIM 218600.
RECQL4-related disorder. Also called: RECQL4-related condition; RECQL4-related disorders.
Inborn genetic diseases. Identifiers: MedGen C0950123, MeSH D030342.

Allele frequency attached by ClinVar (database versions not stated): ExAC 0.00001; gnomAD exomes 0.00001.
gnomAD v4.1: 12 of 1,609,538 alleles (0.00075%); highest among the groups gnomAD compares: Middle Eastern, 0.017%; no homozygotes.

Submissions (3):

Ambry Genetics
Classification: Likely benign for Inborn genetic diseases. Last evaluated: 2025-07-03. Review status: criteria provided, single submitter. Criteria: Ambry Variant Classification Scheme 2023. Collection method: clinical testing. Allele origin: germline.

Labcorp Genetics (formerly Invitae), Labcorp
Classification: Likely benign for Baller-Gerold syndrome. Last evaluated: 2024-11-06. Review status: criteria provided, single submitter. Criteria: Invitae Variant Classification Sherloc (09022015). Collection method: clinical testing. Allele origin: germline.

PreventionGenetics, part of Exact Sciences
Classification: Likely benign for RECQL4-related condition. Last evaluated: 2023-12-22. Review status: no assertion criteria provided. Collection method: clinical testing. Allele origin: germline. Not counted in ClinVar's aggregate classification.
Comment: This variant is classified as likely benign based on ACMG/AMP sequence variant interpretation guidelines (Richards et al. 2015 PMID: 25741868, with internal and published modifications).